The following is an entry in ClinVar:

ClinVar aggregate classification (germline): Benign (1 of 4 stars; one submission).

Conditions:
Hereditary diffuse gastric adenocarcinoma (HDGC). Also called: DIFFUSE GASTRIC AND LOBULAR BREAST CANCER SYNDROME. Identifiers: Orphanet 26106, MedGen C1708349, MONDO:0007648, OMIM 137215.

gnomAD v4.1: 1 of 1,614,236 alleles (0.000062%); highest among the groups gnomAD compares: South Asian, 0.0011%; no homozygotes.

Submission:

Myriad Genetics, Inc.
Classification: Benign for Hereditary diffuse gastric adenocarcinoma. Last evaluated: 2024-09-18. Review status: criteria provided, single submitter. Criteria: Myriad Autosomal Dominant, Autosomal Recessive and X-Linked Classification Criteria (2023). Collection method: clinical testing. Allele origin: unknown.
Comment: This variant is considered benign. This variant is a silent/synonymous amino acid change and it is not expected to impact splicing.

NM_004360.5(CDH1):c.1353T>A (p.Ile451=)

Gene: CDH1 (cadherin 1; plus strand). Cytogenetic location: 16q22.1.
Variant type: single nucleotide variant.
Coding change: c.1353T>A on transcript NM_004360.5 (MANE Select); coding-DNA position 1353, T replaced by A.
Protein change: p.Ile451=; no amino-acid change (isoleucine 451 retained).
Molecular consequence: synonymous variant. On other transcripts: 5 prime UTR variant (2).
Genome position (GRCh38, 1-based): chr16:68,815,547, T>A. VCF-style: chr16-68815547-T-A. GRCh37 (hg19) VCF-style: chr16-68849450-T-A.
Other names: c.1170T>A, p.Ile390= (NM_001317184.2); c.-196T>A (NM_001317185.2); c.-467T>A (NM_001317186.2).
Identifiers: ClinVar variation 3378812 (VCV003378812.1).
Genomic context (GRCh38, chr16:68,815,547, plus strand): 5'-TTTTAACTTCATTGTTTCTGCTCTCTAGGGCTTGGATTTTGAGGCCAAGCAGCAGTACAT[T>A]CTACACGTAGCAGTGACGAATGTGGTACCTTTTGAGGTCTCTCTCACCACCTCCACAGCC-3'
Protein context (NP_004351.1, residues 441-461): GLDFEAKQQY[Ile451=]LHVAVTNVVP